The following is an entry in ClinVar:

ClinVar aggregate classification (germline): Uncertain significance. Review status: criteria provided, multiple submitters, no conflicts (2 of 4 stars). 2 submissions from 2 submitters: Uncertain significance (2). Last evaluated 2026-07-01.

Submissions (2):

CeGaT Center for Human Genetics Tuebingen
Classification: Uncertain significance. Last evaluated: 2026-07-01. Review status: criteria provided, single submitter. Criteria: CeGaT Center For Human Genetics Tuebingen Variant Classification Criteria Version 2. Collection method: clinical testing. Allele origin: germline. Affected: yes. Observed: 1 variant allele.
Comment: KIF1B: PM2

Ambry Genetics
Classification: Uncertain significance. Last evaluated: 2023-02-26. Review status: criteria provided, single submitter. Criteria: Ambry Variant Classification Scheme 2023. Collection method: clinical testing. Allele origin: germline.
Comment: The p.K228E variant (also known as c.682A>G), located in coding exon 6 of the KIF1B gene, results from an A to G substitution at nucleotide position 682. The lysine at codon 228 is replaced by glutamic acid, an amino acid with similar properties. This amino acid position is conserved. In addition, the in silico prediction for this alteration is inconclusive. Since supporting evidence is limited at this time, the clinical significance of this alteration remains unclear.

NM_001365951.3(KIF1B):c.682A>G (p.Lys228Glu)

Gene: KIF1B (kinesin family member 1B; plus strand). Cytogenetic location: 1p36.22.
Variant type: single nucleotide variant.
Coding change: c.682A>G on transcript NM_001365951.3 (MANE Select); coding-DNA position 682, A replaced by G.
Protein change: p.Lys228Glu; replaces lysine 228 with glutamic acid.
Molecular consequence: missense variant.
Genome position (GRCh38, 1-based): chr1:10,268,225, A>G. VCF-style: chr1-10268225-A-G. GRCh37 (hg19) VCF-style: chr1-10328283-A-G.
Other names: c.682A>G, p.Lys228Glu (NM_001365952.1, NM_001365953.1, NM_015074.3 and 1 more transcripts); short protein forms K228E.
Identifiers: ClinVar variation 2448794 (VCV002448794.3), dbSNP rs1648578731, ClinGen allele CA338330519.
Genomic context (GRCh38, chr1:10,268,225, plus strand): 5'-ACAAACATGAATGAAACAAGTAGCCGTTCCCACGCTGTGTTTACGATTGTTTTCACCCAG[A>G]AGAAACACGATAATGAGACCAACCTTTCCACTGAGAAGGTAGGAGAGTTTCAGTCTCTAG-3'
Protein context (NP_001352880.1, residues 218-238): HAVFTIVFTQ[Lys228Glu]KHDNETNLST